The following is an entry in ClinVar:

ClinVar aggregate classification (germline): Uncertain significance. Review status: criteria provided, multiple submitters, no conflicts (2 of 4 stars). 2 submissions from 2 submitters: Uncertain significance (2). Last evaluated 2024-10-30.

Allele frequency attached by ClinVar (database versions not stated): gnomAD exomes below 0.00001; gnomAD 0.00001; TOPMed 0.00001.
gnomAD v4.1: 6 of 1,564,684 alleles (0.00038%); highest among the groups gnomAD compares: Middle Eastern, 0.033%; no homozygotes.

Submissions (2):

Ambry Genetics
Classification: Uncertain significance. Last evaluated: 2024-10-30. Review status: criteria provided, single submitter. Criteria: Ambry Variant Classification Scheme 2023. Collection method: clinical testing. Allele origin: germline.

Labcorp Genetics (formerly Invitae), Labcorp
Classification: Uncertain significance. Last evaluated: 2021-07-24. Review status: criteria provided, single submitter. Criteria: Invitae Variant Classification Sherloc (09022015). Collection method: clinical testing. Allele origin: germline.
Comment: Algorithms developed to predict the effect of sequence changes on RNA splicing suggest that this variant may create or strengthen a splice site. Algorithms developed to predict the effect of missense changes on protein structure and function (SIFT, PolyPhen-2, Align-GVGD) all suggest that this variant is likely to be tolerated. This variant has not been reported in the literature in individuals affected with CYP51A1-related conditions. This variant is not present in population databases (ExAC no frequency). This sequence change replaces serine with glycine at codon 66 of the CYP51A1 protein (p.Ser66Gly). The serine residue is moderately conserved and there is a small physicochemical difference between serine and glycine. In summary, the available evidence is currently insufficient to determine the role of this variant in disease. Therefore, it has been classified as a Variant of Uncertain Significance.

NM_000786.4(CYP51A1):c.196A>G (p.Ser66Gly)

Gene: CYP51A1 (cytochrome P450 family 51 subfamily A member 1; minus strand). Cytogenetic location: 7q21.2.
Variant type: single nucleotide variant.
Coding change: c.196A>G on transcript NM_000786.4 (MANE Select); coding-DNA position 196, A replaced by G.
Protein change: p.Ser66Gly; replaces serine 66 with glycine.
Molecular consequence: missense variant. On other transcripts: 5 prime UTR variant (1).
Genome position (GRCh38, 1-based): chr7:92,131,869, T>C on the plus strand (A>G on the coding strand, the complement: CYP51A1 is on the minus strand). VCF-style: chr7-92131869-T-C. GRCh37 (hg19) VCF-style: chr7-91761183-T-C.
Other names: c.-120A>G (NM_001146152.2); c.196A>G (NM_000786.3); short protein forms S66G.
Identifiers: ClinVar variation 1525457 (VCV001525457.9), dbSNP rs1352969867, ClinGen allele CA368181416.